The following is an entry in ClinVar:

ClinVar aggregate classification (germline): Uncertain significance (1 of 4 stars; one submission).

Submission:

Illumina Laboratory Services, Illumina
Classification: Uncertain significance. Last evaluated: 2020-11-11. Review status: criteria provided, single submitter. Criteria: ICSL CNVClassificationCriteria Aug2020. Collection method: clinical testing. Allele origin: unknown.
Comment: This CNV is an inherited 1.7 Mb duplication of 10q11.22-q11.23, on chromosome 10, (seq[GRCh37]dup(10)(q11.22q11.23); chr10:g.4931938_51053159dup) and constitutes a gain encompassing 18 protein coding genes. At least seven individuals are reported with similar sized gains in this region, four of which were inherited from an unaffected parent and three of which were with unknown inheritance (Stankiewicz et al. 2012). The phenotypes observed in these individuals ranged from autism, speech delay, developmental delay, dysmorphic features, seizures and skeletal anomalies. The region has been shown to contain several large, directly orientated segmental duplications of >98% sequence identity suggesting that non-allelic homologous recombination is the mechanism of genomic rearrangement in this region (Stankiewicz et al. 2012). This CNV has not been reported in controls. Based on the limited evidence, this CNV is classified as a variant of uncertain significance.

Literature cited by the submitters: PubMed 21948486; PubMed 28846756.

GRCh37/hg19 10q11.22-11.23(chr10:49391938-51053159)x3

Genes: ARHGAP22 (Rho GTPase activating protein 22; minus strand), C10orf53 (chromosome 10 open reading frame 53; plus strand), C10orf71 (chromosome 10 open reading frame 71; plus strand), CHAT (choline O-acetyltransferase; plus strand), DRGX (dorsal root ganglia homeobox; minus strand) and 12 more. Cytogenetic location: 10q11.22-11.23.
Variant type: copy number gain.
Change: copy number 3 (three copies instead of two) of chr10:49,391,938-51,053,159 (1.66 Mb, GRCh37 coordinates, 1-based), cytogenetic band 10q11.22-11.23.
Identifiers: ClinVar variation 988905 (VCV000988905.4).